The following is an entry in ClinVar:

NM_021160.3(ABHD16A):c.643A>G (p.Thr215Ala)

Gene: ABHD16A (abhydrolase domain containing 16A, phospholipase; minus strand). Cytogenetic location: 6p21.33.
Variant type: single nucleotide variant.
Coding change: c.643A>G on transcript NM_021160.3 (MANE Select); coding-DNA position 643, A replaced by G.
Protein change: p.Thr215Ala; replaces threonine 215 with alanine.
Molecular consequence: missense variant. On other transcripts: non-coding transcript variant (2).
Genome position (GRCh38, 1-based): chr6:31,691,902, T>C on the plus strand (A>G on the coding strand, the complement: ABHD16A is on the minus strand). VCF-style: chr6-31691902-T-C. GRCh37 (hg19) VCF-style: chr6-31659679-T-C.
Other names: c.544A>G, p.Thr182Ala (NM_001177515.2); short protein forms T182A, T215A.
Identifiers: ClinVar variation 3771064 (VCV003771064.13).

ClinVar aggregate classification (germline): Uncertain significance (1 of 4 stars; one submission).

gnomAD v4.1: 14 of 1,608,074 alleles (0.00087%); highest among the groups gnomAD compares: Middle Eastern, 0.042%; no homozygotes.

Submission:

CeGaT Center for Human Genetics Tuebingen
Classification: Uncertain significance. Last evaluated: 2024-12-01. Review status: criteria provided, single submitter. Criteria: CeGaT Center For Human Genetics Tuebingen Variant Classification Criteria Version 2. Collection method: clinical testing. Allele origin: germline. Affected: yes. Observed: 1 variant allele.
Comment: ABHD16A: PM2